The following is an entry in ClinVar:

NM_001018115.3(FANCD2):c.1134+1G>A

Genes: FANCD2 (FA complementation group D2; plus strand), LOC107303338 (3p25 FANCD2 Alu-mediated recombination region; plus strand). Cytogenetic location: 3p25.3.
Variant type: single nucleotide variant.
Coding change: c.1134+1G>A on transcript NM_001018115.3 (MANE Select); the canonical splice donor site of the intron after coding-DNA position 1134, G replaced by A.
Molecular consequence: splice donor variant.
Genome position (GRCh38, 1-based): chr3:10,043,865, G>A. VCF-style: chr3-10043865-G-A. GRCh37 (hg19) VCF-style: chr3-10085549-G-A.
Other names: c.1134+1G>A (NM_001319984.2, NM_001374253.1, NM_033084.6 and 1 more transcripts).
Identifiers: ClinVar variation 2902358 (VCV002902358.3), dbSNP rs2469902547, ClinGen allele CA351732171.
Genomic context (GRCh38, chr3:10,043,865, plus strand): 5'-TGTGACTCTCTCCTGTTTTTTCAGGCAATTGAAAACACTGCCTCAGTATCTGAACACAAG[G>A]TAATGTTCATGTACTATGCATTTTCAGTATTGCAGACTTAAAAGTAATGACATTGGCTAG-3'

ClinVar aggregate classification (germline): Likely pathogenic (1 of 4 stars; one submission).

Conditions:
Fanconi anemia (FA). Also called: Fanconi's anemia. Identifiers: Orphanet 84, MedGen C0015625, MeSH D005199, MONDO:0019391.

Allele frequency attached by ClinVar (database versions not stated): gnomAD exomes 0.00001.
gnomAD v4.1: 9 of 1,608,800 alleles (0.00056%); highest among the groups gnomAD compares: Non-Finnish European, 0.00077%; no homozygotes.

Submission:

Labcorp Genetics (formerly Invitae), Labcorp
Classification: Likely pathogenic for Fanconi anemia. Last evaluated: 2023-10-15. Review status: criteria provided, single submitter. Criteria: Invitae Variant Classification Sherloc (09022015). Collection method: clinical testing. Allele origin: germline.
Comment: This sequence change affects a donor splice site in intron 14 of the FANCD2 gene. It is expected to disrupt RNA splicing. Variants that disrupt the donor or acceptor splice site typically lead to a loss of protein function (PMID: 16199547), and loss-of-function variants in FANCD2 are known to be pathogenic (PMID: 17436244). This variant is not present in population databases (gnomAD no frequency). This variant has not been reported in the literature in individuals affected with FANCD2-related conditions. Algorithms developed to predict the effect of sequence changes on RNA splicing suggest that this variant may disrupt the consensus splice site. In summary, the currently available evidence indicates that the variant is pathogenic, but additional data are needed to prove that conclusively. Therefore, this variant has been classified as Likely Pathogenic.

Literature cited by the submitters: PubMed 16199547; PubMed 17436244.